The following is an entry in ClinVar:

NM_000245.4(MET):c.1937C>A (p.Thr646Lys)

Gene: MET (MET proto-oncogene, receptor tyrosine kinase; plus strand). Cytogenetic location: 7q31.2.
Variant type: single nucleotide variant.
Coding change: c.1937C>A on transcript NM_000245.4 (MANE Select); coding-DNA position 1937, C replaced by A.
Protein change: p.Thr646Lys; replaces threonine 646 with lysine.
Molecular consequence: missense variant.
Genome position (GRCh38, 1-based): chr7:116,757,511, C>A. VCF-style: chr7-116757511-C-A. GRCh37 (hg19) VCF-style: chr7-116397565-C-A.
Other names: c.1937C>A, p.Thr646Lys (NM_001127500.3, NM_001324401.3); c.647C>A, p.Thr216Lys (NM_001324402.2); c.1937C>A (NM_001127500.2); short protein forms T646K, T216K.
Identifiers: ClinVar variation 411902 (VCV000411902.18), dbSNP rs751307227, ClinGen allele CA4448326.

ClinVar aggregate classification (germline): Conflicting classifications of pathogenicity. Review status: criteria provided, conflicting classifications (1 of 4 stars). 4 submissions from 4 submitters: Uncertain significance (2); Benign (1); Likely benign (1). Last evaluated 2025-11-24.

Conditions:
Renal cell carcinoma. Identifiers: Orphanet 217071, MedGen C0007134, MeSH D002292, MONDO:0005086, HP:0005584.
Hereditary cancer-predisposing syndrome. Also called: Tumor predisposition; Neoplastic Syndromes, Hereditary; Hereditary neoplastic syndrome; Hereditary Cancer Syndrome. Identifiers: Orphanet 140162, MedGen C0027672, MeSH D009386, MONDO:0015356.

Allele frequency attached by ClinVar (database versions not stated): gnomAD 0.00001; TOPMed 0.00001; gnomAD exomes 0.00004 and 0.00007; ExAC 0.00007.
gnomAD v4.1: 22 of 1,613,668 alleles (0.0014%); highest among the groups gnomAD compares: Admixed American, 0.028%; no homozygotes.

Submissions (4):

Labcorp Genetics (formerly Invitae), Labcorp
Classification: Likely benign for Renal cell carcinoma. Last evaluated: 2025-11-24. Review status: criteria provided, single submitter. Criteria: Invitae Variant Classification Sherloc (09022015). Collection method: clinical testing. Allele origin: germline.

Quest Diagnostics Nichols Institute San Juan Capistrano
Classification: Uncertain significance. Last evaluated: 2025-10-16. Review status: criteria provided, single submitter. Criteria: Quest Diagnostics criteria. Collection method: clinical testing. Allele origin: unknown.

GeneDx
Classification: Uncertain significance. Last evaluated: 2025-03-20. Review status: criteria provided, single submitter. Criteria: GeneDx Variant Classification Process June 2021. Collection method: clinical testing. Allele origin: germline.
Comment: In silico analysis indicates that this missense variant does not alter protein structure/function; Has not been previously published as pathogenic or benign to our knowledge

Ambry Genetics
Classification: Benign for Hereditary cancer-predisposing syndrome. Last evaluated: 2023-04-20. Review status: criteria provided, single submitter. Criteria: Ambry Variant Classification Scheme 2023. Collection method: clinical testing. Allele origin: germline.